The following is an entry in ClinVar:

ClinVar aggregate classification (germline): Uncertain significance. Review status: criteria provided, multiple submitters, no conflicts (2 of 4 stars). 2 submissions from 2 submitters: Uncertain significance (2). Last evaluated 2025-08-30.

Conditions:
Pityriasis rubra pilaris (PRP). Also called: Pityriasis rubra pilaris--familial type. Identifiers: Orphanet 2897, MedGen C0032027, MONDO:0100017, OMIM 173200, MONDO:0008251.
Psoriasis 2. Identifiers: MedGen C1864497, MONDO:0011269, OMIM 602723.

Allele frequency attached by ClinVar (database versions not stated): ExAC below 0.00001; gnomAD 0.00001 and 0.00002; gnomAD exomes 0.00001; TOPMed 0.00002; ESP Exome Variant Server 0.00008.
gnomAD v4.1: 13 of 1,573,038 alleles (0.00083%); highest among the groups gnomAD compares: African/African-American, 0.0027%; no homozygotes.

Submissions (2):

Labcorp Genetics (formerly Invitae), Labcorp
Classification: Uncertain significance for Pityriasis rubra pilaris; Psoriasis 2. Last evaluated: 2025-08-30. Review status: criteria provided, single submitter. Criteria: Invitae Variant Classification Sherloc (09022015). Collection method: clinical testing. Allele origin: germline.
Comment: This sequence change replaces arginine, which is basic and polar, with histidine, which is basic and polar, at codon 38 of the CARD14 protein (p.Arg38His). The frequency data for this variant in the population databases is considered unreliable, as metrics indicate poor data quality at this position in the gnomAD database. This variant has not been reported in the literature in individuals affected with CARD14-related conditions. ClinVar contains an entry for this variant (Variation ID: 451338). Invitae Evidence Modeling of protein sequence and biophysical properties (such as structural, functional, and spatial information, amino acid conservation, physicochemical variation, residue mobility, and thermodynamic stability) has been performed for this missense variant. However, the output from this modeling did not meet the statistical confidence thresholds required to predict the impact of this variant on CARD14 protein function. In summary, the available evidence is currently insufficient to determine the role of this variant in disease. Therefore, it has been classified as a Variant of Uncertain Significance.

GeneDx
Classification: Uncertain significance. Last evaluated: 2020-10-05. Review status: criteria provided, single submitter. Criteria: GeneDx Variant Classification Process June 2021. Collection method: clinical testing. Allele origin: germline. Affected: yes.
Comment: In silico analysis supports that this missense variant has a deleterious effect on protein structure/function; Has not been previously published as pathogenic or benign to our knowledge

NM_001366385.1(CARD14):c.113G>A (p.Arg38His)

Gene: CARD14 (caspase recruitment domain family member 14; plus strand). Cytogenetic location: 17q25.3.
Variant type: single nucleotide variant.
Coding change: c.113G>A on transcript NM_001366385.1 (MANE Select); coding-DNA position 113, G replaced by A.
Protein change: p.Arg38His; replaces arginine 38 with histidine.
Molecular consequence: missense variant. On other transcripts: non-coding transcript variant (1).
Genome position (GRCh38, 1-based): chr17:80,181,551, G>A. VCF-style: chr17-80181551-G-A. GRCh37 (hg19) VCF-style: chr17-78155350-G-A.
Other names: c.113G>A, p.Arg38His (NM_001257970.1, NM_024110.4); short protein forms R38H.
Identifiers: ClinVar variation 451338 (VCV000451338.8), dbSNP rs371643272, ClinGen allele CA8816335.